The following is an entry in ClinVar:

ClinVar aggregate classification (germline): Pathogenic (1 of 4 stars; one submission).

Allele frequency attached by ClinVar (database versions not stated): gnomAD exomes below 0.00001.
gnomAD v4.1: 1 of 1,536,976 alleles (0.000065%); highest among the groups gnomAD compares: Non-Finnish European, 0.000087%; no homozygotes.

Submission:

Labcorp Genetics (formerly Invitae), Labcorp
Classification: Pathogenic. Last evaluated: 2023-03-17. Review status: criteria provided, single submitter. Criteria: Invitae Variant Classification Sherloc (09022015). Collection method: clinical testing. Allele origin: germline.
Comment: This sequence change creates a premature translational stop signal (p.Gln32*) in the ZNF469 gene. It is expected to result in an absent or disrupted protein product. Loss-of-function variants in ZNF469 are known to be pathogenic (PMID: 23642083, 23680354). This variant is not present in population databases (gnomAD no frequency). This variant has not been reported in the literature in individuals affected with ZNF469-related conditions. For these reasons, this variant has been classified as Pathogenic.

Literature cited by the submitters: PubMed 23642083; PubMed 23680354.

NM_001367624.2(ZNF469):c.94C>T (p.Gln32Ter)

Gene: ZNF469 (zinc finger protein 469; plus strand). Cytogenetic location: 16q24.2.
Variant type: single nucleotide variant.
Coding change: c.94C>T on transcript NM_001367624.2 (MANE Select); coding-DNA position 94, C replaced by T.
Protein change: p.Gln32Ter; replaces glutamine 32 with a stop codon.
Molecular consequence: nonsense.
Genome position (GRCh38, 1-based): chr16:88,427,564, C>T. VCF-style: chr16-88427564-C-T. GRCh37 (hg19) VCF-style: chr16-88493972-C-T.
Other names: short protein forms Q32*.
Identifiers: ClinVar variation 2846519 (VCV002846519.3), dbSNP rs2507570117, ClinGen allele CA397057854.